The following is an entry in ClinVar:

ClinVar aggregate classification (germline): Pathogenic (1 of 4 stars; one submission).

Conditions:
Neurofibromatosis, type 1 (NF1). Also called: Peripheral type neurofibromatosis; NEUROFIBROMATOSIS, TYPE I, SOMATIC; VON RECKLINGHAUSEN DISEASE; Neurofibromatosis, type I. Identifiers: Orphanet 636, MedGen C0027831, MONDO:0018975, OMIM 162200. Disease mechanism: loss of function.

Submission:

Labcorp Genetics (formerly Invitae), Labcorp
Classification: Pathogenic for Neurofibromatosis, type 1. Last evaluated: 2022-02-28. Review status: criteria provided, single submitter. Criteria: Invitae Variant Classification Sherloc (09022015). Collection method: clinical testing. Allele origin: germline.
Comment: For these reasons, this variant has been classified as Pathogenic. This variant has not been reported in the literature in individuals affected with NF1-related conditions. This variant is not present in population databases (gnomAD no frequency). This sequence change creates a premature translational stop signal (p.Val1665Serfs*12) in the NF1 gene. It is expected to result in an absent or disrupted protein product. Loss-of-function variants in NF1 are known to be pathogenic (PMID: 10712197, 23913538).

Literature cited by the submitters: PubMed 10712197; PubMed 23913538.

NM_001042492.3(NF1):c.5056del (p.Val1686fs)

Gene: NF1 (neurofibromin 1; plus strand). Cytogenetic location: 17q11.2.
Variant type: Deletion.
Coding change: c.5056del on transcript NM_001042492.3 (MANE Select); coding-DNA position 5056, one base deleted (G; older notation c.5056delG).
Protein change: p.Val1686fs; shifts the reading frame from valine 1686.
Molecular consequence: frameshift variant.
Genome position (GRCh38, 1-based): chr17:31,326,040, G deleted; the last of 3 consecutive G bases (chr17:31,326,038-31,326,040); deleting any one gives the same sequence. VCF-style (leftmost placement, unchanged base first): chr17-31326037-TG-T. GRCh37 (hg19) VCF-style: chr17-29653055-TG-T.
Other names: c.4993delG, p.Val1665Serfs (NM_000267.4); short protein forms V1665fs, V1686fs.
Identifiers: ClinVar variation 2104582 (VCV002104582.4), dbSNP rs2508696551, ClinGen allele CA2580093011.
Genomic context (GRCh38, chr17:31,326,037, plus strand): 5'-GTTTTTCCTGGCTTTGCTTACGACAACGTCTCCGCAGTCTATATCTATAACTGTAACTCC[TG>T]GGTCAGGGAGTACACCAAGTATCATGAGCGGCTGCTGACTGGCCTCAAAGGTAGCAAAAG-3'